The following is an entry in ClinVar:

NM_004415.4(DSP):c.3535C>T (p.Gln1179Ter)

Gene: DSP (desmoplakin; plus strand). Cytogenetic location: 6p24.3.
Variant type: single nucleotide variant.
Coding change: c.3535C>T on transcript NM_004415.4 (MANE Select); coding-DNA position 3535, C replaced by T.
Protein change: p.Gln1179Ter; replaces glutamine 1179 with a stop codon.
Molecular consequence: nonsense.
Genome position (GRCh38, 1-based): chr6:7,579,725, C>T. VCF-style: chr6-7579725-C-T. GRCh37 (hg19) VCF-style: chr6-7579958-C-T.
Other names: c.3535C>T, p.Gln1179Ter (NM_001008844.3, NM_001319034.2); short protein forms Q1179*.
Identifiers: ClinVar variation 1074955 (VCV001074955.12), dbSNP rs1759357763, ClinGen allele CA362684281.

ClinVar aggregate classification (germline): Pathogenic. Review status: criteria provided, multiple submitters, no conflicts (2 of 4 stars). 2 submissions from 2 submitters: Pathogenic (2). Last evaluated 2025-06-11.

Conditions:
Cardiovascular phenotype. Identifiers: MedGen CN230736.
Arrhythmogenic right ventricular dysplasia 8 (ARVD8). Also called: Arrhythmogenic Right Ventricular Dysplasia/Cardiomyopathy 8; ARRHYTHMOGENIC RIGHT VENTRICULAR DYSPLASIA, FAMILIAL, 8; ARRHYTHMOGENIC RIGHT VENTRICULAR CARDIOMYOPATHY 8. Identifiers: MedGen C1843896, MONDO:0011831, OMIM 607450.
Arrhythmogenic cardiomyopathy with wooly hair and keratoderma. Also called: Carvajal syndrome; PALMOPLANTAR KERATODERMA WITH LEFT VENTRICULAR CARDIOMYOPATHY AND WOOLLY HAIR; Arrhythmogenic cardiomyopathy with woolly hair and keratoderma; Dilated cardiomyopathy with woolly hair and keratoderma. Identifiers: Orphanet 65282, MedGen C1854063, MONDO:0011581, OMIM 605676.

Submissions (2):

Labcorp Genetics (formerly Invitae), Labcorp
Classification: Pathogenic for Arrhythmogenic cardiomyopathy with wooly hair and keratoderma; Arrhythmogenic right ventricular dysplasia 8. Last evaluated: 2025-06-11. Review status: criteria provided, single submitter. Criteria: Invitae Variant Classification Sherloc (09022015). Collection method: clinical testing. Allele origin: germline.
Comment: This sequence change creates a premature translational stop signal (p.Gln1179*) in the DSP gene. It is expected to result in an absent or disrupted protein product. Loss-of-function variants in DSP are known to be pathogenic (PMID: 20716751, 24503780, 25227139). This variant is not present in population databases (gnomAD no frequency). This premature translational stop signal has been observed in individual(s) with arrhythmogenic right ventricular cardiomyopathy (PMID: 28527814). ClinVar contains an entry for this variant (Variation ID: 1074955). For these reasons, this variant has been classified as Pathogenic.

Ambry Genetics
Classification: Pathogenic for Cardiovascular phenotype. Last evaluated: 2024-06-24. Review status: criteria provided, single submitter. Criteria: Ambry Variant Classification Scheme 2023. Collection method: clinical testing. Allele origin: germline.
Comment: The p.Q1179* pathogenic mutation (also known as c.3535C>T), located in coding exon 23 of the DSP gene, results from a C to T substitution at nucleotide position 3535. This changes the amino acid from a glutamine to a stop codon within coding exon 23. This variant has been detected in an individual with arrhythmogenic right ventricular cardiomyopathy (Castelletti S et al. Int. J. Cardiol., 2017 Dec;249:268-273). This variant is considered to be rare based on population cohorts in the Genome Aggregation Database (gnomAD). Alterations in DSP that result in haploinsufficiency or protein truncation have been reported in patients with arrhythmogenic right ventricular cardiomyopathy (ARVC) and dilated cardiomyopathy (DCM) (Fressart V et al. Europace. 2010;12(6):861-8; Elliott P et al. Circ Cardiovasc Genet. 2010;3(4):314-22; Quarta G et al. Circulation. 2011;123(23):2701-9; Garcia-Pavia P et al. Heart. 2011;97(21):1744-52; Rasmussen TB et al. Clin Genet. 2013;84(1):20-30; Pugh TJ et al. Genet Med. 2014;16(8):601-8). This alteration is expected to result in loss of function by premature protein truncation or nonsense-mediated mRNA decay. Based on the supporting evidence, this variant is interpreted as a disease-causing mutation.

Literature cited by the submitters: PubMed 20716751 (cited by Labcorp Genetics (formerly Invitae), Labcorp); PubMed 24503780 (cited by Labcorp Genetics (formerly Invitae), Labcorp); PubMed 25227139 (cited by Labcorp Genetics (formerly Invitae), Labcorp); PubMed 28527814 (cited by Labcorp Genetics (formerly Invitae), Labcorp and Ambry Genetics).